The following is an entry in ClinVar:

NM_000059.4(BRCA2):c.6532C>T (p.His2178Tyr)

Gene: BRCA2 (BRCA2 DNA repair associated; plus strand). Cytogenetic location: 13q13.1.
Variant type: single nucleotide variant.
Coding change: c.6532C>T on transcript NM_000059.4 (MANE Select); coding-DNA position 6532, C replaced by T.
Protein change: p.His2178Tyr; replaces histidine 2178 with tyrosine.
Molecular consequence: missense variant.
Genome position (GRCh38, 1-based): chr13:32,340,887, C>T. VCF-style: chr13-32340887-C-T. GRCh37 (hg19) VCF-style: chr13-32915024-C-T.
Other names: short protein forms H2178Y.
Identifiers: ClinVar variation 52124 (VCV000052124.5), dbSNP rs80358885, ClinGen allele CA024144.

ClinVar aggregate classification (germline): Likely benign. Review status: criteria provided, single submitter (1 of 4 stars). 2 submissions from 2 submitters: Likely benign (1). 1 of the submissions does not count toward it. Last evaluated 2023-03-23.

Conditions:
Hereditary cancer-predisposing syndrome. Also called: Neoplastic Syndromes, Hereditary; Tumor predisposition; Hereditary neoplastic syndrome; Hereditary Cancer Syndrome. Identifiers: Orphanet 140162, MedGen C0027672, MeSH D009386, MONDO:0015356.
Breast-ovarian cancer, familial, susceptibility to, 2 (BROVCA2). Also called: BRCA2 Hereditary Breast and Ovarian Cancer. Identifiers: Orphanet 145, MedGen C2675520, MONDO:0012933, OMIM 612555. Disease mechanism: loss of function.

Submissions (2):

University of Washington Department of Laboratory Medicine, University of Washington
Classification: Likely benign for Hereditary cancer-predisposing syndrome. Last evaluated: 2023-03-23. Review status: criteria provided, single submitter. Criteria: Dines et al. (Genet Med. 2020). Collection method: curation. Allele origin: germline.
Comment: Missense variant in a coldspot region where missense variants are very unlikely to be pathogenic (PMID:31911673).

BRCA2 exon 11 coldspot. Reclassification based on statistical prior probability.

Breast Cancer Information Core (BIC) (BRCA2)
Classification: Uncertain significance for Breast-ovarian cancer, familial 2. Last evaluated: 2002-06-20. Review status: no assertion criteria provided. Collection method: clinical testing. Allele origin: germline. Affected: yes. Observed: 1 variant allele. Not counted in ClinVar's aggregate classification.